The following is an entry in ClinVar:

NM_014727.3(KMT2B):c.2879A>T (p.Lys960Met)

Gene: KMT2B (lysine methyltransferase 2B; plus strand). Cytogenetic location: 19q13.12.
Variant type: single nucleotide variant.
Coding change: c.2879A>T on transcript NM_014727.3 (MANE Select); coding-DNA position 2879, A replaced by T.
Protein change: p.Lys960Met; replaces lysine 960 with methionine.
Molecular consequence: missense variant.
Genome position (GRCh38, 1-based): chr19:35,723,151, A>T. VCF-style: chr19-35723151-A-T. GRCh37 (hg19) VCF-style: chr19-36214053-A-T.
Other names: short protein forms K960M.
Identifiers: ClinVar variation 4071661 (VCV004071661.1).

ClinVar aggregate classification (germline): Uncertain significance (1 of 4 stars; one submission).

Submission:

GeneDx
Classification: Uncertain significance. Last evaluated: 2025-01-22. Review status: criteria provided, single submitter. Criteria: GeneDx Variant Classification Process June 2021. Collection method: clinical testing. Allele origin: germline. Affected: yes.
Comment: Not observed at significant frequency in large population cohorts (gnomAD); In silico analysis supports that this missense variant has a deleterious effect on protein structure/function; Has not been previously published as pathogenic or benign to our knowledge